The following is an entry in ClinVar:

ClinVar aggregate classification (germline): Uncertain significance (1 of 4 stars; one submission).

Submission:

Mayo Clinic Laboratories, Mayo Clinic
Classification: Uncertain significance. Last evaluated: 2025-02-07. Review status: criteria provided, single submitter. Criteria: ACMG Guidelines, 2015. Collection method: clinical testing. Allele origin: germline. Observed: 1 variant allele.
Comment: BP4, PM2_supporting

NM_001261826.3(AP3D1):c.1829A>G (p.Lys610Arg)

Gene: AP3D1 (adaptor related protein complex 3 subunit delta 1; minus strand). Cytogenetic location: 19p13.3.
Variant type: single nucleotide variant.
Coding change: c.1829A>G on transcript NM_001261826.3 (MANE Select); coding-DNA position 1829, A replaced by G.
Protein change: p.Lys610Arg; replaces lysine 610 with arginine.
Molecular consequence: missense variant.
Genome position (GRCh38, 1-based): chr19:2,117,252, T>C on the plus strand (A>G on the coding strand, the complement: AP3D1 is on the minus strand). VCF-style: chr19-2117252-T-C. GRCh37 (hg19) VCF-style: chr19-2117251-T-C.
Other names: p.Lys610Arg; c.1829A>G, p.Lys610Arg (NM_001374799.1, NM_003938.8); short protein forms K610R.
Identifiers: ClinVar variation 4542282 (VCV004542282.1).